The following is an entry in ClinVar:

ClinVar aggregate classification (germline): Uncertain significance. Review status: criteria provided, multiple submitters, no conflicts (2 of 4 stars). 2 submissions from 2 submitters: Uncertain significance (2). Last evaluated 2024-05-21.

Conditions:
Telangiectasia, hereditary hemorrhagic, type 2 (HHT2). Also called: ACVRL1-Related Hereditary Hemorrhagic Telangiectasia; Telangiectasia, hereditary hemorrhagic, type II. Identifiers: Orphanet 774, MedGen C1838163, MONDO:0010880, OMIM 600376. Disease mechanism: loss of function.

Allele frequency attached by ClinVar (database versions not stated): gnomAD exomes below 0.00001 and 0.00001; ExAC 0.00003.
gnomAD v4.1: 6 of 1,601,098 alleles (0.00037%); highest among the groups gnomAD compares: South Asian, 0.0011%; no homozygotes.

Submissions (2):

Fulgent Genetics
Classification: Uncertain significance for Telangiectasia, hereditary hemorrhagic, type 2. Last evaluated: 2024-05-21. Review status: criteria provided, single submitter. Criteria: ACMG Guidelines, 2015. Collection method: clinical testing. Allele origin: germline.

ARUP Laboratories, Molecular Genetics and Genomics, ARUP Laboratories
Classification: Uncertain significance. Last evaluated: 2018-04-26. Review status: criteria provided, single submitter. Criteria: ARUP Molecular Germline Variant Investigation Process. Collection method: clinical testing. Allele origin: germline.
Comment: The ACVRL1 c.238C>T; p.Arg80Cys variant (rs756447582), to our knowledge, is not reported in the medical literature or gene specific databases. This variant is reported in the general population with an allele frequency of 0.001% (3/220710 alleles) in the Genome Aggregation Database, but is considered a low-quality site in this database. The arginine at codon 80 is moderately conserved, and computational analyses (SIFT, PolyPhen-2) predict that this variant may be deleterious. Given the lack of clinical and functional data, the significance of the p.Arg80Cys variant is uncertain at this time.

NM_000020.3(ACVRL1):c.238C>T (p.Arg80Cys)

Gene: ACVRL1 (activin A receptor like type 1; plus strand). Cytogenetic location: 12q13.13.
Variant type: single nucleotide variant.
Coding change: c.238C>T on transcript NM_000020.3 (MANE Select); coding-DNA position 238, C replaced by T.
Protein change: p.Arg80Cys; replaces arginine 80 with cysteine.
Molecular consequence: missense variant.
Genome position (GRCh38, 1-based): chr12:51,913,275, C>T. VCF-style: chr12-51913275-C-T. GRCh37 (hg19) VCF-style: chr12-52307059-C-T.
Other names: c.238C>T, p.Arg80Cys (NM_001077401.2); short protein forms R80C.
Identifiers: ClinVar variation 617961 (VCV000617961.9), dbSNP rs756447582, ClinGen allele CA6572836.
Genomic context (GRCh38, chr12:51,913,275, plus strand): 5'-GGGAGGCACCCCCAGGAACATCGGGGCTGCGGGAACTTGCACAGGGAGCTCTGCAGGGGG[C>T]GCCCCACCGAGTTCGTCAACCACTACTGCTGCGACAGCCACCTCTGCAACCACAACGTGT-3'
Protein context (NP_000011.2, residues 70-90): GNLHRELCRG[Arg80Cys]PTEFVNHYCC